The following is an entry in ClinVar:

ClinVar aggregate classification (germline): Likely benign. Review status: criteria provided, multiple submitters, no conflicts (2 of 4 stars). 2 submissions from 2 submitters: Likely benign (2). Last evaluated 2026-09-01.

Allele frequency attached by ClinVar (database versions not stated): gnomAD exomes 0.00003 and 0.00005; TOPMed 0.00003; gnomAD 0.00004 and 0.00005; ExAC 0.00007; ESP Exome Variant Server 0.00008; 1000 Genomes Project 30x 0.00016; 1000 Genomes Project 0.00020.
gnomAD v4.1: 53 of 1,613,230 alleles (0.0033%); highest among the groups gnomAD compares: East Asian, 0.011%; no homozygotes.

Submissions (2):

CeGaT Center for Human Genetics Tuebingen
Classification: Likely benign. Last evaluated: 2026-09-01. Review status: criteria provided, single submitter. Criteria: CeGaT Center For Human Genetics Tuebingen Variant Classification Criteria Version 2. Collection method: clinical testing. Allele origin: germline. Affected: yes. Observed: 1 variant allele.
Comment: ACAD9: BP4, BP7

Labcorp Genetics (formerly Invitae), Labcorp
Classification: Likely benign. Last evaluated: 2025-09-07. Review status: criteria provided, single submitter. Criteria: Invitae Variant Classification Sherloc (09022015). Collection method: clinical testing. Allele origin: germline.

NM_014049.5(ACAD9):c.561C>T (p.Ser187=)

Gene: ACAD9 (acyl-CoA dehydrogenase family member 9; plus strand). Cytogenetic location: 3q21.3.
Variant type: single nucleotide variant.
Coding change: c.561C>T on transcript NM_014049.5 (MANE Select); coding-DNA position 561, C replaced by T.
Protein change: p.Ser187=; no amino-acid change (serine 187 retained).
Molecular consequence: synonymous variant. On other transcripts: non-coding transcript variant (1).
Genome position (GRCh38, 1-based): chr3:128,897,638, C>T. VCF-style: chr3-128897638-C-T. GRCh37 (hg19) VCF-style: chr3-128616481-C-T.
Identifiers: ClinVar variation 1081350 (VCV001081350.10), dbSNP rs140856522, ClinGen allele CA2601191.